The following is an entry in ClinVar:

NM_000384.3(APOB):c.3162T>G (p.Asn1054Lys)

Gene: APOB (apolipoprotein B; minus strand). Cytogenetic location: 2p24.1.
Variant type: single nucleotide variant.
Coding change: c.3162T>G on transcript NM_000384.3 (MANE Select); coding-DNA position 3162, T replaced by G.
Protein change: p.Asn1054Lys; replaces asparagine 1054 with lysine.
Molecular consequence: missense variant.
Genome position (GRCh38, 1-based): chr2:21,016,609, A>C on the plus strand (T>G on the coding strand, the complement: APOB is on the minus strand). VCF-style: chr2-21016609-A-C. GRCh37 (hg19) VCF-style: chr2-21239481-A-C.
Other names: short protein forms N1054K.
Identifiers: ClinVar variation 2549144 (VCV002549144.4), dbSNP rs1243621042, ClinGen allele CA346009690.

ClinVar aggregate classification (germline): Uncertain significance. Review status: criteria provided, multiple submitters, no conflicts (2 of 4 stars). 2 submissions from 2 submitters: Uncertain significance (2). Last evaluated 2026-09-11.

Conditions:
Cardiovascular phenotype. Identifiers: MedGen CN230736.

Allele frequency attached by ClinVar (database versions not stated): gnomAD 0.00001; TOPMed below 0.00001.
gnomAD v4.1: 6 of 1,612,276 alleles (0.00037%); highest among the groups gnomAD compares: Non-Finnish European, 0.00051%; no homozygotes.

Submissions (2):

Ambry Genetics
Classification: Uncertain significance for Cardiovascular phenotype. Last evaluated: 2026-09-11. Review status: criteria provided, single submitter. Criteria: Ambry Variant Classification Scheme 2023. Collection method: clinical testing. Allele origin: germline.
Comment: The p.N1054K variant (also known as c.3162T>G), located in coding exon 21 of the APOB gene, results from a T to G substitution at nucleotide position 3162. The asparagine at codon 1054 is replaced by lysine, an amino acid with similar properties. This amino acid position is conserved. In addition, this alteration is predicted to be tolerated by in silico analysis. Based on the available evidence, the clinical significance of this variant remains unclear.

Blueprint Genetics
Classification: Uncertain significance. Last evaluated: 2023-06-07. Review status: criteria provided, single submitter. Criteria: ACMG Guidelines, 2015. Collection method: clinical testing. Allele origin: germline.